The following is an entry in ClinVar:

NM_014956.5(CEP164):c.2362-6C>A

Gene: CEP164 (centrosomal protein 164; plus strand). Cytogenetic location: 11q23.3.
Variant type: single nucleotide variant.
Coding change: c.2362-6C>A on transcript NM_014956.5 (MANE Select); 6 bases into the intron before coding-DNA position 2362, C replaced by A.
Molecular consequence: intron variant.
Genome position (GRCh38, 1-based): chr11:117,392,490, C>A. VCF-style: chr11-117392490-C-A. GRCh37 (hg19) VCF-style: chr11-117263206-C-A.
Other names: c.2371-6C>A (NM_001271933.2, NM_001440949.1); c.2203-6C>A (NM_001440972.1); c.2224-6C>A (NM_001440967.1, NM_001440961.1); c.2275-6C>A (NM_001440956.1, NM_001440957.1); c.2362-6C>A (NM_001440950.1, NM_001440953.1, NM_001440951.1); c.2215-6C>A (NM_001440962.1, NM_001440970.1, NM_001440964.1 and 4 more transcripts); c.2005-6C>A (NM_001440990.1, NM_001440984.1); c.2197-6C>A (NM_001440952.1, NM_001440968.1, NM_001440969.1); and 7 more.
Identifiers: ClinVar variation 4994815 (VCV004994815.1).
Genomic context (GRCh38, chr11:117,392,490, plus strand): 5'-CCCACACAGCAGCTGTACAGTCTGTCTGAGGGTCACACTCCCCTGTGTGTGCGGGGGCCT[C>A]CTCAGGTGGTCTCCAGCCTCCAGAAGAAGATACAGGAAGCTCAACAGAAAGAGGAGGCCC-3'

ClinVar aggregate classification (germline): Uncertain significance (1 of 4 stars; one submission).

Conditions:
CEP164-related disorder. Also called: CEP164-related condition.

Submission:

PreventionGenetics, part of Exact Sciences
Classification: Uncertain significance for CEP164-related condition. Last evaluated: 2026-02-02. Review status: criteria provided, single submitter. Criteria: ACMG Guidelines, 2015. Collection method: clinical testing. Allele origin: germline.
Comment: The CEP164 c.2362-6C>A variant is predicted to interfere with splicing. This variant is predicted to impact splicing based on splicing prediction programs (SpliceAI, Jaganathan K, et al. 2019. PubMed ID: 30661751). However, the use of computer prediction programs is not equivalent to functional evidence. To our knowledge, this variant has not been reported in the literature or in a large population database (gnomAD), indicating this variant is rare. At this time, the clinical significance of this variant is uncertain due to the absence of conclusive functional and genetic evidence.